The following is an entry in ClinVar:

ClinVar aggregate classification (germline): Uncertain significance (1 of 4 stars; one submission).

Conditions:
Long QT syndrome (LQTS). Identifiers: MedGen C0023976, MeSH D008133, MONDO:0002442. Disease mechanism: loss of function. Inheritance: Various modes of inheritance.

Submission:

Labcorp Genetics (formerly Invitae), Labcorp
Classification: Uncertain significance for Long QT syndrome. Last evaluated: 2024-05-14. Review status: criteria provided, single submitter. Criteria: Invitae Variant Classification Sherloc (09022015). Collection method: clinical testing. Allele origin: germline.
Comment: This sequence change replaces lysine, which is basic and polar, with glutamic acid, which is acidic and polar, at codon 1886 of the ANK2 protein (p.Lys1886Glu). This variant is not present in population databases (gnomAD no frequency). This variant has not been reported in the literature in individuals affected with ANK2-related conditions. An algorithm developed to predict the effect of missense changes on protein structure and function (PolyPhen-2) suggests that this variant is likely to be disruptive. In summary, the available evidence is currently insufficient to determine the role of this variant in disease. Therefore, it has been classified as a Variant of Uncertain Significance.

NM_001148.6(ANK2):c.5656A>G (p.Lys1886Glu)

Genes: ANK2 (ankyrin 2; plus strand), LOC126807136 (MED14-independent group 3 enhancer GRCh37_chr4:114274931-114276130; plus strand). Cytogenetic location: 4q26.
Variant type: single nucleotide variant.
Coding change: c.5656A>G on transcript NM_001148.6 (MANE Select); coding-DNA position 5656, A replaced by G.
Protein change: p.Lys1886Glu; replaces lysine 1886 with glutamic acid.
Molecular consequence: missense variant. On other transcripts: intron variant (68).
Genome position (GRCh38, 1-based): chr4:113,354,274, A>G. VCF-style: chr4-113354274-A-G. GRCh37 (hg19) VCF-style: chr4-114275430-A-G.
Other names: c.826+4025A>G (NM_001386167.1); c.5773A>G, p.Lys1925Glu (NM_001386175.1); c.4411+4025A>G (NM_001386186.2, NM_001386148.2); c.4213+4025A>G (NM_001354269.3); c.4291+4025A>G (NM_001386187.2); c.4252+4025A>G (NM_001386147.1); c.4270+4025A>G (NM_001386160.1); c.4375+4025A>G (NM_001354254.2); and 35 more; short protein forms K1886E, K1933E, K1925E, K1808E, K686E.
Identifiers: ClinVar variation 3652732 (VCV003652732.2).